The following is an entry in ClinVar:

NM_000117.3(EMD):c.334G>A (p.Gly112Ser)

Gene: EMD (emerin; plus strand). Cytogenetic location: Xq28.
Variant type: single nucleotide variant.
Coding change: c.334G>A on transcript NM_000117.3 (MANE Select); coding-DNA position 334, G replaced by A.
Protein change: p.Gly112Ser; replaces glycine 112 with serine.
Molecular consequence: missense variant.
Genome position (GRCh38, 1-based): chrX:154,380,302, G>A. VCF-style: chrX-154380302-G-A. GRCh37 (hg19) VCF-style: chrX-153608662-G-A.
Other names: short protein forms G112S.
Identifiers: ClinVar variation 2698677 (VCV002698677.3), dbSNP rs782365183, ClinGen allele CA415257937.

ClinVar aggregate classification (germline): Uncertain significance (1 of 4 stars; one submission).

Conditions:
X-linked Emery-Dreifuss muscular dystrophy. Also called: Muscular dystrophy, tardive Emery-Dreifuss type, with contractures. Identifiers: Orphanet 261, Orphanet 98863, MedGen C0751337, MONDO:0010680.

Submission:

Labcorp Genetics (formerly Invitae), Labcorp
Classification: Uncertain significance for X-linked Emery-Dreifuss muscular dystrophy. Last evaluated: 2023-12-01. Review status: criteria provided, single submitter. Criteria: Invitae Variant Classification Sherloc (09022015). Collection method: clinical testing. Allele origin: germline.
Comment: This sequence change replaces glycine, which is neutral and non-polar, with serine, which is neutral and polar, at codon 112 of the EMD protein (p.Gly112Ser). This variant is not present in population databases (gnomAD no frequency). This variant has not been reported in the literature in individuals affected with EMD-related conditions. Advanced modeling of protein sequence and biophysical properties (such as structural, functional, and spatial information, amino acid conservation, physicochemical variation, residue mobility, and thermodynamic stability) performed at Invitae indicates that this missense variant is not expected to disrupt EMD protein function with a negative predictive value of 80%. In summary, the available evidence is currently insufficient to determine the role of this variant in disease. Therefore, it has been classified as a Variant of Uncertain Significance.